The following is an entry in ClinVar:

NM_005445.4(SMC3):c.973C>T (p.Arg325Cys)

Gene: SMC3 (structural maintenance of chromosomes 3; plus strand). Cytogenetic location: 10q25.2.
Variant type: single nucleotide variant.
Coding change: c.973C>T on transcript NM_005445.4 (MANE Select); coding-DNA position 973, C replaced by T.
Protein change: p.Arg325Cys; replaces arginine 325 with cysteine.
Molecular consequence: missense variant.
Genome position (GRCh38, 1-based): chr10:110,583,844, C>T. VCF-style: chr10-110583844-C-T. GRCh37 (hg19) VCF-style: chr10-112343602-C-T.
Other names: short protein forms R325C.
Identifiers: ClinVar variation 3901618 (VCV003901618.1).

ClinVar aggregate classification (germline): Uncertain significance (1 of 4 stars; one submission).

Submission:

GeneDx
Classification: Uncertain significance. Last evaluated: 2024-12-06. Review status: criteria provided, single submitter. Criteria: GeneDx Variant Classification Process June 2021. Collection method: clinical testing. Allele origin: germline. Affected: yes.
Comment: Not observed at significant frequency in large population cohorts (gnomAD); In silico analysis supports that this missense variant has a deleterious effect on protein structure/function; Has not been previously published as pathogenic or benign to our knowledge